The following is an entry in ClinVar:

ClinVar aggregate classification (germline): Likely benign. Review status: criteria provided, multiple submitters, no conflicts (2 of 4 stars). 2 submissions from 2 submitters: Likely benign (2). Last evaluated 2024-09-28.

Allele frequency attached by ClinVar (database versions not stated): gnomAD exomes below 0.00001 and 0.00001; ExAC 0.00001; gnomAD 0.00001; TOPMed 0.00002.
gnomAD v4.1: 9 of 1,614,070 alleles (0.00056%); highest among the groups gnomAD compares: Admixed American, 0.005%; no homozygotes.

Submissions (2):

Labcorp Genetics (formerly Invitae), Labcorp
Classification: Likely benign. Last evaluated: 2024-09-28. Review status: criteria provided, single submitter. Criteria: Invitae Variant Classification Sherloc (09022015). Collection method: clinical testing. Allele origin: germline.

GeneDx
Classification: Likely benign. Last evaluated: 2018-03-06. Review status: criteria provided, single submitter. Criteria: GeneDx Variant Classification (06012015). Collection method: clinical testing. Allele origin: germline. Affected: yes.
Comment: This variant is considered likely benign or benign based on one or more of the following criteria: it is a conservative change, it occurs at a poorly conserved position in the protein, it is predicted to be benign by multiple in silico algorithms, and/or has population frequency not consistent with disease.

NM_005654.6(NR2F1):c.666G>A (p.Leu222=)

Gene: NR2F1 (nuclear receptor subfamily 2 group F member 1; plus strand). Cytogenetic location: 5q15.
Variant type: single nucleotide variant.
Coding change: c.666G>A on transcript NM_005654.6 (MANE Select); coding-DNA position 666, G replaced by A.
Protein change: p.Leu222=; no amino-acid change (leucine 222 retained).
Molecular consequence: synonymous variant.
Genome position (GRCh38, 1-based): chr5:93,588,119, G>A. VCF-style: chr5-93588119-G-A. GRCh37 (hg19) VCF-style: chr5-92923825-G-A.
Identifiers: ClinVar variation 515829 (VCV000515829.8), dbSNP rs764266826, ClinGen allele CA3343166.